The following is an entry in ClinVar:

ClinVar aggregate classification (germline): Conflicting classifications of pathogenicity. Review status: criteria provided, conflicting classifications (1 of 4 stars). 4 submissions from 4 submitters: Uncertain significance (3); Likely benign (1). Last evaluated 2025-10-21.

Conditions:
ANKRD1-related dilated cardiomyopathy. Identifiers: MedGen CN119551.
Cardiovascular phenotype. Identifiers: MedGen CN230736.

Allele frequency attached by ClinVar (database versions not stated): gnomAD 0.00001 and 0.00002; gnomAD exomes 0.00001 and 0.00002; TOPMed 0.00004; ESP Exome Variant Server 0.00015.
gnomAD v4.1: 30 of 1,613,672 alleles (0.0019%); highest among the groups gnomAD compares: Non-Finnish European, 0.0025%; no homozygotes.

Submissions (4):

Labcorp Genetics (formerly Invitae), Labcorp
Classification: Uncertain significance for ANKRD1-related dilated cardiomyopathy. Last evaluated: 2025-10-21. Review status: criteria provided, single submitter. Criteria: Invitae Variant Classification Sherloc (09022015). Collection method: clinical testing. Allele origin: germline.
Comment: This sequence change replaces glutamine, which is neutral and polar, with lysine, which is basic and polar, at codon 65 of the ANKRD1 protein (p.Gln65Lys). This variant is present in population databases (rs139169078, gnomAD 0.003%). This variant has not been reported in the literature in individuals affected with ANKRD1-related conditions. ClinVar contains an entry for this variant (Variation ID: 841805). Invitae Evidence Modeling of protein sequence and biophysical properties (such as structural, functional, and spatial information, amino acid conservation, physicochemical variation, residue mobility, and thermodynamic stability) indicates that this missense variant is not expected to disrupt ANKRD1 protein function with a negative predictive value of 80%. In summary, the available evidence is currently insufficient to determine the role of this variant in disease. Therefore, it has been classified as a Variant of Uncertain Significance.

Women's Health and Genetics/Laboratory Corporation of America, LabCorp
Classification: Uncertain significance. Last evaluated: 2023-12-10. Review status: criteria provided, single submitter. Criteria: LabCorp Variant Classification Summary - May 2015. Collection method: clinical testing. Allele origin: germline.

Ambry Genetics
Classification: Likely benign for Cardiovascular phenotype. Last evaluated: 2023-10-31. Review status: criteria provided, single submitter. Criteria: Ambry Variant Classification Scheme 2023. Collection method: clinical testing. Allele origin: germline.

GeneDx
Classification: Uncertain significance. Last evaluated: 2021-05-04. Review status: criteria provided, single submitter. Criteria: GeneDx Variant Classification Process June 2021. Collection method: clinical testing. Allele origin: germline. Affected: yes.
Comment: Has not been previously published as pathogenic or benign to our knowledge; Not observed at a significant frequency in large population cohorts (Lek et al., 2016); In silico analysis, which includes protein predictors and evolutionary conservation, supports that this variant does not alter protein structure/function

NM_014391.3(ANKRD1):c.193C>A (p.Gln65Lys)

Gene: ANKRD1 (ankyrin repeat domain 1; minus strand). Cytogenetic location: 10q23.31.
Variant type: single nucleotide variant.
Coding change: c.193C>A on transcript NM_014391.3 (MANE Select); coding-DNA position 193, C replaced by A.
Protein change: p.Gln65Lys; replaces glutamine 65 with lysine.
Molecular consequence: missense variant.
Genome position (GRCh38, 1-based): chr10:90,920,183, G>T on the plus strand (C>A on the coding strand, the complement: ANKRD1 is on the minus strand). VCF-style: chr10-90920183-G-T. GRCh37 (hg19) VCF-style: chr10-92679940-G-T.
Other names: short protein forms Q65K.
Identifiers: ClinVar variation 841805 (VCV000841805.15), dbSNP rs139169078, ClinGen allele CA211425666.